The following is an entry in ClinVar:

ClinVar aggregate classification (germline): Likely pathogenic (1 of 4 stars; one submission).

Conditions:
Fetal akinesia deformation sequence 3. Identifiers: MedGen C4760599, MONDO:0100103, OMIM 618389.
Congenital myasthenic syndrome 10. Also called: Myasthenia, limb-girdle, familial. Identifiers: Orphanet 590, MedGen C1850792, MONDO:0009690, OMIM 254300.

Submission:

First Genomix Gene Laboratory, Genetic Diagnostics Department
Classification: Likely pathogenic for Fetal akinesia deformation sequence 3; Congenital myasthenic syndrome 10. Last evaluated: 2025-09-23. Review status: criteria provided, single submitter. Criteria: ACMG Guidelines, 2015. Collection method: clinical testing. Allele origin: germline. Inheritance: Autosomal recessive inheritance. Affected: no. Observed: 1 variant allele.

NM_002103.5(GYS1):c.1536G>A (p.Trp512Ter)

Gene: GYS1 (glycogen synthase 1; minus strand). Cytogenetic location: 19q13.33.
Variant type: single nucleotide variant.
Coding change: c.1536G>A on transcript NM_002103.5 (MANE Select); coding-DNA position 1536, G replaced by A.
Protein change: p.Trp512Ter; replaces tryptophan 512 with a stop codon.
Molecular consequence: nonsense. On other transcripts: non-coding transcript variant (1).
Genome position (GRCh38, 1-based): chr19:48,974,226, C>T on the plus strand (G>A on the coding strand, the complement: GYS1 is on the minus strand). VCF-style: chr19-48974226-C-T. GRCh37 (hg19) VCF-style: chr19-49477483-C-T.
Other names: c.1344G>A, p.Trp448Ter (NM_001161587.2); short protein forms W448*, W512*.
Identifiers: ClinVar variation 4850433 (VCV004850433.1).